The following is an entry in ClinVar:

NM_003737.4(DCHS1):c.5198C>T (p.Thr1733Met)

Gene: DCHS1 (dachsous cadherin-related 1; minus strand). Cytogenetic location: 11p15.4.
Variant type: single nucleotide variant.
Coding change: c.5198C>T on transcript NM_003737.4 (MANE Select); coding-DNA position 5198, C replaced by T.
Protein change: p.Thr1733Met; replaces threonine 1733 with methionine.
Molecular consequence: missense variant.
Genome position (GRCh38, 1-based): chr11:6,628,794, G>A on the plus strand (C>T on the coding strand, the complement: DCHS1 is on the minus strand). VCF-style: chr11-6628794-G-A. GRCh37 (hg19) VCF-style: chr11-6650025-G-A.
Other names: short protein forms T1733M.
Identifiers: ClinVar variation 2890004 (VCV002890004.4), dbSNP rs146184962, ClinGen allele CA5860151.

ClinVar aggregate classification (germline): Uncertain significance. Review status: criteria provided, multiple submitters, no conflicts (2 of 4 stars). 2 submissions from 2 submitters: Uncertain significance (2). Last evaluated 2025-07-16.

Conditions:
Van Maldergem syndrome 1 (VMLDS1). Also called: Van Maldergem syndrome 1 (VMLDS1). Identifiers: Orphanet 314679, MedGen C4551950, MONDO:0011070, OMIM 601390.

Allele frequency attached by ClinVar (database versions not stated): gnomAD 0.00005; 1000 Genomes Project 30x 0.00016; 1000 Genomes Project 0.00020; gnomAD exomes 0.00007; TOPMed 0.00006; ExAC 0.00007.
gnomAD v4.1: 103 of 1,613,870 alleles (0.0064%); highest among the groups gnomAD compares: Non-Finnish European, 0.0082%; no homozygotes.

Submissions (2):

Labcorp Genetics (formerly Invitae), Labcorp
Classification: Uncertain significance. Last evaluated: 2025-07-16. Review status: criteria provided, single submitter. Criteria: Invitae Variant Classification Sherloc (09022015). Collection method: clinical testing. Allele origin: germline.
Comment: This sequence change replaces threonine, which is neutral and polar, with methionine, which is neutral and non-polar, at codon 1733 of the DCHS1 protein (p.Thr1733Met). This variant is present in population databases (rs146184962, gnomAD 0.01%). This variant has not been reported in the literature in individuals affected with DCHS1-related conditions. ClinVar contains an entry for this variant (Variation ID: 2890004). Invitae Evidence Modeling of protein sequence and biophysical properties (such as structural, functional, and spatial information, amino acid conservation, physicochemical variation, residue mobility, and thermodynamic stability) indicates that this missense variant is not expected to disrupt DCHS1 protein function with a negative predictive value of 80%. In summary, the available evidence is currently insufficient to determine the role of this variant in disease. Therefore, it has been classified as a Variant of Uncertain Significance.

Clinical Genomics Laboratory, Washington University in St. Louis
Classification: Uncertain significance for Van Maldergem syndrome 1. Last evaluated: 2025-02-24. Review status: criteria provided, single submitter. Criteria: ACMG Guidelines, 2015. Collection method: clinical testing. Allele origin: germline.
Comment: A DCHS1 c.5198C>T (p.Thr1733Met) variant was identified at near heterozygous allelic fraction of 47.1%, a frequency which may be consistent with germline origin. This variant, to our knowledge, has not been reported in the medical literature but has been reported in the ClinVar database as a variant of uncertain significance by one submitter (ClinVar Variation ID: 2890004). It is only observed on 103/1,613,870 alleles in the general population (gnomAD v.4.1.0), indicating it is not a common variant. Computational predictors suggest that the variant does not impact DCHS1 function. Due to limited information, and based on ACMG/AMP guidelines for variant interpretation (Richards S et al., PMID: 25741868), the clinical significance of this variant is uncertain at this time.